The following is an entry in ClinVar:

ClinVar aggregate classification (germline): Uncertain significance (1 of 4 stars; one submission).

Conditions:
Hereditary cancer-predisposing syndrome. Also called: Tumor predisposition; Hereditary Cancer Syndrome; Hereditary neoplastic syndrome; Neoplastic Syndromes, Hereditary. Identifiers: Orphanet 140162, MedGen C0027672, MeSH D009386, MONDO:0015356.

Submission:

Ambry Genetics
Classification: Uncertain significance for Hereditary cancer-predisposing syndrome. Last evaluated: 2025-11-08. Review status: criteria provided, single submitter. Criteria: Ambry Variant Classification Scheme 2023. Collection method: clinical testing. Allele origin: germline.
Comment: The p.D36Y variant (also known as c.106G>T), located in coding exon 2 of the XRCC2 gene, results from a G to T substitution at nucleotide position 106. The aspartic acid at codon 36 is replaced by tyrosine, an amino acid with highly dissimilar properties. This amino acid position is conserved. In addition, this alteration is predicted to be tolerated by in silico analysis. Based on the available evidence, the clinical significance of this variant remains unclear.

NM_005431.2(XRCC2):c.106G>T (p.Asp36Tyr)

Gene: XRCC2 (X-ray repair cross complementing 2; minus strand). Cytogenetic location: 7q36.1.
Variant type: single nucleotide variant.
Coding change: c.106G>T on transcript NM_005431.2 (MANE Select); coding-DNA position 106, G replaced by T.
Protein change: p.Asp36Tyr; replaces aspartic acid 36 with tyrosine.
Molecular consequence: missense variant.
Genome position (GRCh38, 1-based): chr7:152,660,716, C>A on the plus strand (G>T on the coding strand, the complement: XRCC2 is on the minus strand). VCF-style: chr7-152660716-C-A. GRCh37 (hg19) VCF-style: chr7-152357801-C-A.
Other names: short protein forms D36Y.
Identifiers: ClinVar variation 4558595 (VCV004558595.1).